The following is an entry in ClinVar:

ClinVar aggregate classification (germline): Uncertain significance (1 of 4 stars; one submission).

Submission:

Labcorp Genetics (formerly Invitae), Labcorp
Classification: Uncertain significance. Last evaluated: 2022-07-15. Review status: criteria provided, single submitter. Criteria: Invitae Variant Classification Sherloc (09022015). Collection method: clinical testing. Allele origin: germline.
Comment: This variant, c.2553_2561del, results in the deletion of 3 amino acid(s) of the COL18A1 protein (p.Gly852_Pro854del), but otherwise preserves the integrity of the reading frame. In summary, the available evidence is currently insufficient to determine the role of this variant in disease. Therefore, it has been classified as a Variant of Uncertain Significance. Experimental studies and prediction algorithms are not available or were not evaluated, and the functional significance of this variant is currently unknown. This variant has not been reported in the literature in individuals affected with COL18A1-related conditions. This variant is not present in population databases (gnomAD no frequency).

NM_001379500.1(COL18A1):c.2553_2561del (p.Gly852_Pro854del)

Gene: COL18A1 (collagen type XVIII alpha 1 chain; plus strand). Cytogenetic location: 21q22.3.
Variant type: Deletion.
Coding change: c.2553_2561del on transcript NM_001379500.1 (MANE Select); coding-DNA positions 2553 to 2561, 9 bases deleted (AGGGACTCC; older notation c.2553_2561delAGGGACTCC).
Protein change: p.Gly852_Pro854del.
Molecular consequence: inframe deletion.
Genome position (GRCh38, 1-based): chr21:45,496,544-45,496,552, AGGGACTCC deleted; deleting any 9 consecutive bases within chr21:45,496,540-45,496,552 gives the same sequence; the c. name uses the placement nearest the transcript's 3' end. VCF-style (leftmost placement, unchanged base first): chr21-45496539-CCTCCAGGGA-C. GRCh37 (hg19) VCF-style: chr21-46916453-CCTCCAGGGA-C.
Other names: c.3093_3101del, p.Gly1032_Pro1034del (NM_030582.4); c.3798_3806del, p.Gly1267_Pro1269del (NM_130444.3).
Identifiers: ClinVar variation 1914737 (VCV001914737.5), dbSNP rs2036549827, ClinGen allele CA2392184641.